The following is an entry in ClinVar:

ClinVar aggregate classification (germline): Uncertain significance. Review status: criteria provided, multiple submitters, no conflicts (2 of 4 stars). 4 submissions from 4 submitters: Uncertain significance (4). Last evaluated 2025-07-27.

Conditions:
Cardiovascular phenotype. Identifiers: MedGen CN230736.
Catecholaminergic polymorphic ventricular tachycardia 2. Also called: VENTRICULAR TACHYCARDIA, STRESS-INDUCED POLYMORPHIC 2; CASQ2-Related Catecholaminergic Polymorphic Ventricular Tachycardia. Identifiers: Orphanet 3286, MedGen C2677794, MONDO:0012762, OMIM 611938.
Catecholaminergic polymorphic ventricular tachycardia 1. Also called: VENTRICULAR TACHYCARDIA, STRESS-INDUCED POLYMORPHIC 1; VENTRICULAR TACHYCARDIA, CATECHOLAMINERGIC POLYMORPHIC, 1, WITH OR WITHOUT ATRIAL DYSFUNCTION AND/OR DILATED CARDIOMYOPATHY; RYR2-Related Catecholaminergic Polymorphic Ventricular Tachycardia. Identifiers: Orphanet 3286, MedGen C1631597, MONDO:0011484, OMIM 604772.

Allele frequency attached by ClinVar (database versions not stated): gnomAD 0.00001; gnomAD exomes 0.00001 and 0.00003; TOPMed 0.00002; ExAC 0.00004; ESP Exome Variant Server 0.00008.
gnomAD v4.1: 18 of 1,613,534 alleles (0.0011%); highest among the groups gnomAD compares: South Asian, 0.015%; no homozygotes.

Submissions (4):

Labcorp Genetics (formerly Invitae), Labcorp
Classification: Uncertain significance for Catecholaminergic polymorphic ventricular tachycardia 1. Last evaluated: 2025-07-27. Review status: criteria provided, single submitter. Criteria: Invitae Variant Classification Sherloc (09022015). Collection method: clinical testing. Allele origin: germline.
Comment: This sequence change replaces isoleucine, which is neutral and non-polar, with threonine, which is neutral and polar, at codon 324 of the CASQ2 protein (p.Ile324Thr). This variant is present in population databases (rs369403991, gnomAD 0.02%). This variant has not been reported in the literature in individuals affected with CASQ2-related conditions. ClinVar contains an entry for this variant (Variation ID: 1055546). Invitae Evidence Modeling of protein sequence and biophysical properties (such as structural, functional, and spatial information, amino acid conservation, physicochemical variation, residue mobility, and thermodynamic stability) indicates that this missense variant is expected to disrupt CASQ2 protein function with a positive predictive value of 80%. In summary, the available evidence is currently insufficient to determine the role of this variant in disease. Therefore, it has been classified as a Variant of Uncertain Significance.

Genome-Nilou Lab
Classification: Uncertain significance for Catecholaminergic polymorphic ventricular tachycardia 2. Last evaluated: 2023-04-11. Review status: criteria provided, single submitter. Criteria: ACMG Guidelines, 2015. Collection method: clinical testing. Allele origin: germline. Affected: no.

Fulgent Genetics
Classification: Uncertain significance for Catecholaminergic polymorphic ventricular tachycardia 1; Catecholaminergic polymorphic ventricular tachycardia 2. Last evaluated: 2021-08-23. Review status: criteria provided, single submitter. Criteria: ACMG Guidelines, 2015. Collection method: clinical testing. Allele origin: unknown.

Ambry Genetics
Classification: Uncertain significance for Cardiovascular phenotype. Last evaluated: 2021-05-14. Review status: criteria provided, single submitter. Criteria: Ambry Variant Classification Scheme 2023. Collection method: clinical testing. Allele origin: germline.
Comment: The p.I324T variant (also known as c.971T>C), located in coding exon 10 of the CASQ2 gene, results from a T to C substitution at nucleotide position 971. The isoleucine at codon 324 is replaced by threonine, an amino acid with similar properties. This amino acid position is well conserved in available vertebrate species. In addition, the in silico prediction for this alteration is inconclusive. Since supporting evidence is limited at this time, the clinical significance of this alteration remains unclear.

NM_001232.4(CASQ2):c.971T>C (p.Ile324Thr)

Gene: CASQ2 (calsequestrin 2; minus strand). Cytogenetic location: 1p13.1.
Variant type: single nucleotide variant.
Coding change: c.971T>C on transcript NM_001232.4 (MANE Select); coding-DNA position 971, T replaced by C.
Protein change: p.Ile324Thr; replaces isoleucine 324 with threonine.
Molecular consequence: missense variant.
Genome position (GRCh38, 1-based): chr1:115,702,964, A>G on the plus strand (T>C on the coding strand, the complement: CASQ2 is on the minus strand). VCF-style: chr1-115702964-A-G. GRCh37 (hg19) VCF-style: chr1-116245585-A-G.
Other names: short protein forms I324T.
Identifiers: ClinVar variation 1055546 (VCV001055546.47), dbSNP rs369403991, ClinGen allele CA1023662.